The following is an entry in ClinVar:

NM_024675.4(PALB2):c.911T>G (p.Leu304Arg)

Gene: PALB2 (partner and localizer of BRCA2; minus strand). Cytogenetic location: 16p12.2.
Variant type: single nucleotide variant.
Coding change: c.911T>G on transcript NM_024675.4 (MANE Select); coding-DNA position 911, T replaced by G.
Protein change: p.Leu304Arg; replaces leucine 304 with arginine.
Molecular consequence: missense variant.
Genome position (GRCh38, 1-based): chr16:23,635,635, A>C on the plus strand (T>G on the coding strand, the complement: PALB2 is on the minus strand). VCF-style: chr16-23635635-A-C. GRCh37 (hg19) VCF-style: chr16-23646956-A-C.
Other names: c.851T>G, p.Leu284Arg (NM_001407296.1); c.911T>G, p.Leu304Arg (NM_001407297.1, NM_001407298.1, NM_001407299.1 and 3 more transcripts); c.26T>G, p.Leu9Arg (NM_001407304.1, NM_001407305.1, NM_001407306.1 and 5 more transcripts); short protein forms L9R, L304R, L284R.
Identifiers: ClinVar variation 2099312 (VCV002099312.4), dbSNP rs2142431212, ClinGen allele CA395135442.

ClinVar aggregate classification (germline): Uncertain significance (1 of 4 stars; one submission).

Conditions:
Familial cancer of breast. Also called: Hereditary breast cancer; BREAST CANCER, FAMILIAL; hereditary breast carcinoma. Identifiers: Orphanet 227535, MedGen C0346153, MONDO:0016419, OMIM 114480. Disease mechanism: loss of function.

Submission:

Labcorp Genetics (formerly Invitae), Labcorp
Classification: Uncertain significance for Familial cancer of breast. Last evaluated: 2022-03-01. Review status: criteria provided, single submitter. Criteria: Invitae Variant Classification Sherloc (09022015). Collection method: clinical testing. Allele origin: germline.
Comment: In summary, the available evidence is currently insufficient to determine the role of this variant in disease. Therefore, it has been classified as a Variant of Uncertain Significance. Algorithms developed to predict the effect of missense changes on protein structure and function are either unavailable or do not agree on the potential impact of this missense change (SIFT: "Deleterious"; PolyPhen-2: "Benign"; Align-GVGD: "Class C0"). This variant has not been reported in the literature in individuals affected with PALB2-related conditions. This variant is not present in population databases (gnomAD no frequency). This sequence change replaces leucine, which is neutral and non-polar, with arginine, which is basic and polar, at codon 304 of the PALB2 protein (p.Leu304Arg).